The following is an entry in ClinVar:

ClinVar aggregate classification (germline): Uncertain significance. Review status: criteria provided, multiple submitters, no conflicts (2 of 4 stars). 2 submissions from 2 submitters: Uncertain significance (2). Last evaluated 2025-05-21.

Conditions:
Inborn genetic diseases. Identifiers: MedGen C0950123, MeSH D030342.

Allele frequency attached by ClinVar (database versions not stated): ExAC 0.00001; gnomAD 0.00001; gnomAD exomes 0.00001 and 0.00002.
gnomAD v4.1: 24 of 1,604,656 alleles (0.0015%); highest among the groups gnomAD compares: East Asian, 0.0067%; 1 homozygote.

Submissions (2):

Ambry Genetics
Classification: Uncertain significance for Inborn genetic diseases. Last evaluated: 2025-05-21. Review status: criteria provided, single submitter. Criteria: Ambry Variant Classification Scheme 2023. Collection method: clinical testing. Allele origin: germline.

Labcorp Genetics (formerly Invitae), Labcorp
Classification: Uncertain significance. Last evaluated: 2024-05-28. Review status: criteria provided, single submitter. Criteria: Invitae Variant Classification Sherloc (09022015). Collection method: clinical testing. Allele origin: germline.
Comment: This sequence change replaces alanine, which is neutral and non-polar, with valine, which is neutral and non-polar, at codon 997 of the DIP2C protein (p.Ala997Val). The frequency data for this variant in the population databases is considered unreliable, as metrics indicate poor data quality at this position in the gnomAD database. This variant has not been reported in the literature in individuals affected with DIP2C-related conditions. ClinVar contains an entry for this variant (Variation ID: 1431077). An algorithm developed to predict the effect of missense changes on protein structure and function (PolyPhen-2) suggests that this variant is likely to be tolerated. In summary, the available evidence is currently insufficient to determine the role of this variant in disease. Therefore, it has been classified as a Variant of Uncertain Significance.

NM_014974.3(DIP2C):c.2990C>T (p.Ala997Val)

Gene: DIP2C (DIP2 acetate--CoA ligase C (putative); minus strand). Cytogenetic location: 10p15.3.
Variant type: single nucleotide variant.
Coding change: c.2990C>T on transcript NM_014974.3 (MANE Select); coding-DNA position 2990, C replaced by T.
Protein change: p.Ala997Val; replaces alanine 997 with valine.
Molecular consequence: missense variant.
Genome position (GRCh38, 1-based): chr10:349,450, G>A on the plus strand (C>T on the coding strand, the complement: DIP2C is on the minus strand). VCF-style: chr10-349450-G-A. GRCh37 (hg19) VCF-style: chr10-395390-G-A.
Other names: c.2990C>T (NM_014974.2); short protein forms A997V.
Identifiers: ClinVar variation 1431077 (VCV001431077.10), dbSNP rs773324202, ClinGen allele CA5380169.
Genomic context (GRCh38, chr10:349,450, plus strand): 5'-ATCACGGCGATCTTCTCAGCTCTCTTGTGCAGCTGCACGCAGGTCAGCGAGTTCGCTATC[G>A]CACCCTGCGGGCCGATCACAGGGACAAGCACATAAGATTCCTTCAGCAGAGCAGCTTGCA-3'
Protein context (NP_055789.1, residues 987-1007): ILYTLLNCRG[Ala997Val]IANSLTCVQL